The following is an entry in ClinVar:

NM_006514.4(SCN10A):c.2451_2463dup (p.Ala822fs)

Gene: SCN10A (sodium voltage-gated channel alpha subunit 10; minus strand). Cytogenetic location: 3p22.2.
Variant type: Duplication.
Coding change: c.2451_2463dup on transcript NM_006514.4 (MANE Select); coding-DNA positions 2451 to 2463, 13 bases duplicated (AAAAAATATCTCC).
Protein change: p.Ala822fs; shifts the reading frame from alanine 822.
Molecular consequence: frameshift variant.
Genome position (GRCh38, 1-based): chr3:38,728,719-38,728,731, GGAGATATTTTTT duplicated on the plus strand (AAAAAATATCTCC on the coding strand, the reverse complement: SCN10A is on the minus strand). VCF-style (leftmost placement, unchanged base first): chr3-38728718-C-CGGAGATATTTTTT. GRCh37 (hg19) VCF-style: chr3-38770209-C-CGGAGATATTTTTT.
Other names: p.Ala822Lysfs*8; c.2451_2463dup, p.Ala822fs (NM_001293306.2); c.2157_2169dup, p.Ala724fs (NM_001293307.2); short protein forms A724fs, A822fs.
Identifiers: ClinVar variation 4540853 (VCV004540853.1).

ClinVar aggregate classification (germline): Uncertain significance (1 of 4 stars; one submission).

Submission:

Mayo Clinic Laboratories, Mayo Clinic
Classification: Uncertain significance. Last evaluated: 2025-10-01. Review status: criteria provided, single submitter. Criteria: ACMG Guidelines, 2015. Collection method: clinical testing. Allele origin: germline. Observed: 1 variant allele.
Comment: PM2_supporting